The following is an entry in ClinVar:

ClinVar aggregate classification (germline): Uncertain significance (1 of 4 stars; one submission).

Submission:

GeneDx
Classification: Uncertain significance. Last evaluated: 2023-11-27. Review status: criteria provided, single submitter. Criteria: GeneDx Variant Classification Process June 2021. Collection method: clinical testing. Allele origin: germline. Affected: yes.
Comment: Not observed at significant frequency in large population cohorts (gnomAD); In silico analysis supports that this missense variant does not alter protein structure/function; Has not been previously published as pathogenic or benign to our knowledge.

NM_001348800.3(ZBTB20):c.1784A>G (p.Lys595Arg)

Gene: ZBTB20 (zinc finger and BTB domain containing 20; minus strand). Cytogenetic location: 3q13.31.
Variant type: single nucleotide variant.
Coding change: c.1784A>G on transcript NM_001348800.3 (MANE Select); coding-DNA position 1784, A replaced by G.
Protein change: p.Lys595Arg; replaces lysine 595 with arginine.
Molecular consequence: missense variant.
Genome position (GRCh38, 1-based): chr3:114,350,294, T>C on the plus strand (A>G on the coding strand, the complement: ZBTB20 is on the minus strand). VCF-style: chr3-114350294-T-C. GRCh37 (hg19) VCF-style: chr3-114069141-T-C.
Other names: c.1784A>G, p.Lys595Arg (NM_001164342.2, NM_001348803.3, NM_001393393.1 and 1 more transcripts); c.1565A>G, p.Lys522Arg (NM_001164343.2, NM_001164344.4, NM_001164345.4 and 9 more transcripts); short protein forms K522R, K595R.
Identifiers: ClinVar variation 3364770 (VCV003364770.1).